The following is an entry in ClinVar:

ClinVar aggregate classification (germline): Conflicting classifications of pathogenicity. Review status: criteria provided, conflicting classifications (1 of 4 stars). 2 submissions from 2 submitters: Likely pathogenic (1); Uncertain significance (1). Last evaluated 2024-07-22.

Conditions:
Cardiovascular phenotype. Identifiers: MedGen CN230736.
Telangiectasia, hereditary hemorrhagic, type 2 (HHT2). Also called: ACVRL1-Related Hereditary Hemorrhagic Telangiectasia; Telangiectasia, hereditary hemorrhagic, type II. Identifiers: Orphanet 774, MedGen C1838163, MONDO:0010880, OMIM 600376. Disease mechanism: loss of function.

Submissions (2):

Labcorp Genetics (formerly Invitae), Labcorp
Classification: Uncertain significance for Telangiectasia, hereditary hemorrhagic, type 2. Last evaluated: 2024-07-22. Review status: criteria provided, single submitter. Criteria: Invitae Variant Classification Sherloc (09022015). Collection method: clinical testing. Allele origin: germline.
Comment: This variant, c.835_837dup, results in the insertion of 1 amino acid(s) of the ACVRL1 protein (p.Tyr279dup), but otherwise preserves the integrity of the reading frame. This variant is not present in population databases (gnomAD no frequency). This variant has not been reported in the literature in individuals affected with ACVRL1-related conditions. ClinVar contains an entry for this variant (Variation ID: 1763054). In summary, the available evidence is currently insufficient to determine the role of this variant in disease. Therefore, it has been classified as a Variant of Uncertain Significance.

Ambry Genetics
Classification: Likely pathogenic for Cardiovascular phenotype. Last evaluated: 2024-03-22. Review status: criteria provided, single submitter. Criteria: Ambry Variant Classification Scheme 2023. Collection method: clinical testing. Allele origin: germline.
Comment: The c.835_837dupTAC variant (also known as p.Y279dup), located in coding exon 6 of the ACVRL1 gene, results from an in-frame duplication of TAC at nucleotide positions 835 to 837. This results in the duplication of an extra tyrosine residue between codons 279 and 280. Based on internal structural analysis, this variant is predicted to disrupt the ATP-binding site (Kerr G et al. Angiogenesis. 2015 Apr;18(2):209-17; Williams E et al. Bone. 2018 Apr;109:251-258; Ambry internal data). This amino acid position is not well conserved in available vertebrate species. In addition, this alteration is predicted to be deleterious by in silico analysis (Choi Y et al. PLoS ONE. 2012; 7(10):e46688). This variant is considered to be rare based on population cohorts in the Genome Aggregation Database (gnomAD). Based on the majority of available evidence to date, this variant is likely to be pathogenic.

Literature cited by the submitters: PubMed 25557927 (cited by Ambry Genetics); PubMed 28918311 (cited by Ambry Genetics).

NM_000020.3(ACVRL1):c.835_837dup (p.Tyr279_His280insTyr)

Gene: ACVRL1 (activin A receptor like type 1; plus strand). Cytogenetic location: 12q13.13.
Variant type: Duplication.
Coding change: c.835_837dup on transcript NM_000020.3 (MANE Select); coding-DNA positions 835 to 837, 3 bases duplicated (TAC; older notation c.835_837dupTAC).
Protein change: p.Tyr279_His280insTyr.
Molecular consequence: inframe insertion. On other transcripts: inframe indel (10).
Genome position (GRCh38, 1-based): chr12:51,915,287-51,915,289, TAC duplicated; duplicating any 3 consecutive bases within chr12:51,915,285-51,915,289 gives the same sequence; the c. name uses the placement nearest the transcript's 3' end. VCF-style (leftmost placement, unchanged base first): chr12-51915284-C-CACT. GRCh37 (hg19) VCF-style: chr12-52309068-C-CACT.
Other names: c.835_837dup, p.Tyr279_His280insTyr (NM_001077401.2, NM_001406487.1, NM_001406488.1 and 1 more transcripts); c.523_525dup, p.Tyr175_His176insTyr (NM_001406490.1, NM_001406491.1, NM_001406492.1 and 2 more transcripts); c.271_273dup, p.Tyr91_His92insTyr (NM_001406495.1); c.835_837dupTAC (NM_000020.2).
Identifiers: ClinVar variation 1763054 (VCV001763054.5), dbSNP rs2540164204, ClinGen allele CA2580086476.